The following is an entry in ClinVar:

NM_000516.7(GNAS):c.516del (p.Ile172fs)

Gene: GNAS (GNAS complex locus; plus strand). Cytogenetic location: 20q13.32.
Variant type: Deletion.
Coding change: c.516del on transcript NM_000516.7 (MANE Select); coding-DNA position 516, one base deleted (T; older notation c.516delT).
Protein change: p.Ile172fs; shifts the reading frame from isoleucine 172.
Molecular consequence: frameshift variant. On other transcripts: 3 prime UTR variant (2).
Genome position (GRCh38, 1-based): chr20:58,905,466, T deleted; the last of 2 consecutive T bases (chr20:58,905,465-58,905,466); deleting either gives the same sequence. VCF-style (leftmost placement, unchanged base first): chr20-58905464-AT-A. GRCh37 (hg19) VCF-style: chr20-57480519-AT-A.
Other names: c.519del, p.Ile173fs (NM_001077488.5); c.471del, p.Ile157fs (NM_001077489.4); c.*377del (NM_001077490.3); c.339del, p.Ile113fs (NM_001309840.2, NM_001309861.2, NM_001438276.1 and 1 more transcripts); c.420del, p.Ile140fs (NM_001410912.1); c.2400del, p.Ile800fs (NM_001410913.1); c.294del, p.Ile98fs (NM_001438273.1, NM_001438274.1, NM_001438275.1); c.*422del (NM_016592.5); and 2 more; short protein forms I113fs, I172fs, I157fs, I158fs, I800fs, I815fs, I140fs, I98fs.
Identifiers: ClinVar variation 4722777 (VCV004722777.1).

ClinVar aggregate classification (germline): Pathogenic (1 of 4 stars; one submission).

Submission:

Labcorp Genetics (formerly Invitae), Labcorp
Classification: Pathogenic. Last evaluated: 2025-08-02. Review status: criteria provided, single submitter. Criteria: Invitae Variant Classification Sherloc (09022015). Collection method: clinical testing. Allele origin: germline.
Comment: This sequence change creates a premature translational stop signal (p.Ile172Metfs*13) in the GNAS gene. It is expected to result in an absent or disrupted protein product. Loss-of-function variants in GNAS are known to be pathogenic (PMID: 11784876, 23281139, 23796510, 25802881). This variant is not present in population databases (gnomAD no frequency). This variant has not been reported in the literature in individuals affected with GNAS-related conditions. For these reasons, this variant has been classified as Pathogenic.

Literature cited by the submitters: PubMed 11784876; PubMed 23281139; PubMed 23796510; PubMed 25802881.